The following is an entry in ClinVar:

NM_014806.5(RUSC2):c.365T>C (p.Ile122Thr)

Gene: RUSC2 (RUN and SH3 domain containing 2; plus strand). Cytogenetic location: 9p13.3.
Variant type: single nucleotide variant.
Coding change: c.365T>C on transcript NM_014806.5 (MANE Select); coding-DNA position 365, T replaced by C.
Protein change: p.Ile122Thr; replaces isoleucine 122 with threonine.
Molecular consequence: missense variant. On other transcripts: non-coding transcript variant (1), intron variant (1).
Genome position (GRCh38, 1-based): chr9:35,546,886, T>C. VCF-style: chr9-35546886-T-C. GRCh37 (hg19) VCF-style: chr9-35546883-T-C.
Other names: c.365T>C, p.Ile122Thr (NM_001135999.2); c.-620-8174T>C (NM_001330740.2); short protein forms I122T.
Identifiers: ClinVar variation 1466548 (VCV001466548.8), dbSNP rs760620235, ClinGen allele CA5043453.
Genomic context (GRCh38, chr9:35,546,886, plus strand): 5'-CCTTCTTGCTGCAGGAGGGTGTGGGTGAGCCAGGACTTGGTGACCTGTATGATGACAGCA[T>C]TGGTGACAGTGCCACCCAGCAGTCCTTCCACCTGCATGGCACTGGCCAGCCCAACTTTCA-3'
Protein context (NP_055621.2, residues 112-132): PGLGDLYDDS[Ile122Thr]GDSATQQSFH

ClinVar aggregate classification (germline): Uncertain significance (1 of 4 stars; one submission).

Allele frequency attached by ClinVar (database versions not stated): gnomAD exomes below 0.00001 and 0.00001; ExAC 0.00002.

Submission:

Labcorp Genetics (formerly Invitae), Labcorp
Classification: Uncertain significance. Last evaluated: 2021-06-15. Review status: criteria provided, single submitter. Criteria: Invitae Variant Classification Sherloc (09022015). Collection method: clinical testing. Allele origin: germline.
Comment: This sequence change replaces isoleucine with threonine at codon 122 of the RUSC2 protein (p.Ile122Thr). The isoleucine residue is weakly conserved and there is a moderate physicochemical difference between isoleucine and threonine. This variant is present in population databases (rs760620235, ExAC 0.01%). This variant has not been reported in the literature in individuals with RUSC2-related conditions. Algorithms developed to predict the effect of missense changes on protein structure and function output the following: SIFT: "Tolerated"; PolyPhen-2: "Benign"; Align-GVGD: "Class C0". The threonine amino acid residue is found in multiple mammalian species, suggesting that this missense change does not adversely affect protein function. These predictions have not been confirmed by published functional studies and their clinical significance is uncertain. In summary, the available evidence is currently insufficient to determine the role of this variant in disease. Therefore, it has been classified as a Variant of Uncertain Significance.